The following is an entry in ClinVar:

ClinVar aggregate classification (germline): Uncertain significance (1 of 4 stars; one submission).

Submission:

GeneDx
Classification: Uncertain significance. Last evaluated: 2024-12-13. Review status: criteria provided, single submitter. Criteria: GeneDx Variant Classification Process June 2021. Collection method: clinical testing. Allele origin: germline. Affected: yes.
Comment: Not observed at significant frequency in large population cohorts (gnomAD); In silico analysis supports that this missense variant has a deleterious effect on protein structure/function; Has not been previously published as pathogenic or benign to our knowledge

NM_001846.4(COL4A2):c.1481G>A (p.Gly494Asp)

Genes: COL4A2 (collagen type IV alpha 2 chain; plus strand), COL4A2-AS2 (COL4A2 antisense RNA 2; minus strand). Cytogenetic location: 13q34.
Variant type: single nucleotide variant.
Coding change: c.1481G>A on transcript NM_001846.4 (MANE Select); coding-DNA position 1481, G replaced by A.
Protein change: p.Gly494Asp; replaces glycine 494 with aspartic acid.
Molecular consequence: missense variant.
Genome position (GRCh38, 1-based): chr13:110,458,819, G>A. VCF-style: chr13-110458819-G-A. GRCh37 (hg19) VCF-style: chr13-111111166-G-A.
Other names: short protein forms G494D.
Identifiers: ClinVar variation 3902965 (VCV003902965.1).
Genomic context (GRCh38, chr13:110,458,819, plus strand): 5'-CCTCCTCTGCAGGTGACGCTGGGGAATGCAGATGTACAGAAGGCGACGAAGCTATCAAAG[G>A]TCTTCCGGGACTGCCAGGACCCAAGGGCTTCGCAGGCATCAACGGGGAGCCGGGGAGGAA-3'
Protein context (NP_001837.2, residues 484-504): RCTEGDEAIK[Gly494Asp]LPGLPGPKGF